The following is an entry in ClinVar:

NM_002439.5(MSH3):c.2437A>C (p.Lys813Gln)

Gene: MSH3 (mutS homolog 3; plus strand). Cytogenetic location: 5q14.1.
Variant type: single nucleotide variant.
Coding change: c.2437A>C on transcript NM_002439.5 (MANE Select); coding-DNA position 2437, A replaced by C.
Protein change: p.Lys813Gln; replaces lysine 813 with glutamine.
Molecular consequence: missense variant.
Genome position (GRCh38, 1-based): chr5:80,787,566, A>C. VCF-style: chr5-80787566-A-C. GRCh37 (hg19) VCF-style: chr5-80083385-A-C.
Other names: short protein forms K813Q.
Identifiers: ClinVar variation 3913643 (VCV003913643.1).

ClinVar aggregate classification (germline): Uncertain significance (1 of 4 stars; one submission).

Conditions:
Hereditary cancer-predisposing syndrome. Also called: Hereditary Cancer Syndrome; Hereditary neoplastic syndrome; Neoplastic Syndromes, Hereditary; Tumor predisposition. Identifiers: Orphanet 140162, MedGen C0027672, MeSH D009386, MONDO:0015356.

Submission:

Ambry Genetics
Classification: Uncertain significance for Hereditary cancer-predisposing syndrome. Last evaluated: 2025-05-15. Review status: criteria provided, single submitter. Criteria: Ambry Variant Classification Scheme 2023. Collection method: clinical testing. Allele origin: germline.
Comment: The p.K813Q variant (also known as c.2437A>C), located in coding exon 18 of the MSH3 gene, results from an A to C substitution at nucleotide position 2437. The lysine at codon 813 is replaced by glutamine, an amino acid with similar properties. This amino acid position is conserved. In addition, this alteration is predicted to be tolerated by in silico analysis. Based on the available evidence, the clinical significance of this variant remains unclear.